The following is an entry in ClinVar:

ClinVar aggregate classification (germline): Likely benign (1 of 4 stars; one submission).

gnomAD v4.1: 538 of 1,613,740 alleles (0.033%); highest among the groups gnomAD compares: South Asian, 0.23%; 1 homozygote.

Submission:

CeGaT Center for Human Genetics Tuebingen
Classification: Likely benign. Last evaluated: 2026-04-01. Review status: criteria provided, single submitter. Criteria: CeGaT Center For Human Genetics Tuebingen Variant Classification Criteria Version 2. Collection method: clinical testing. Allele origin: germline. Affected: yes. Observed: 1 variant allele.
Comment: MIA3: BP4

NM_198551.4(MIA3):c.4296T>A (p.Asp1432Glu)

Gene: MIA3 (MIA SH3 domain ER export factor 3; plus strand). Cytogenetic location: 1q41.
Variant type: single nucleotide variant.
Coding change: c.4296T>A on transcript NM_198551.4 (MANE Select); coding-DNA position 4296, T replaced by A.
Protein change: p.Asp1432Glu; replaces aspartic acid 1432 with glutamic acid.
Molecular consequence: missense variant.
Genome position (GRCh38, 1-based): chr1:222,653,314, T>A. VCF-style: chr1-222653314-T-A. GRCh37 (hg19) VCF-style: chr1-222826656-T-A.
Other names: c.930T>A, p.Asp310Glu (NM_001300867.2, NM_001324065.2); c.4296T>A, p.Asp1432Glu (NM_001324062.2); c.4119T>A, p.Asp1373Glu (NM_001324063.2); c.3804T>A, p.Asp1268Glu (NM_001324064.2); short protein forms D1268E, D1373E, D1432E, D310E.
Identifiers: ClinVar variation 4872394 (VCV004872394.2).
Genomic context (GRCh38, chr1:222,653,314, plus strand): 5'-GAATCTGTTAGAGTGTGAATCTGAATCTGAGGGTCAAAATAAAGGTGGAAATGATTCAGA[T>A]GAATTAGCAAATGGAGAAGTGGGAGGTAAGATCAGCCTCAAGGAGGATGGACCCCTTTTG-3'
Protein context (NP_940953.2, residues 1422-1442): EGQNKGGNDS[Asp1432Glu]ELANGEVGGD